The following is an entry in ClinVar:

ClinVar aggregate classification (germline): Uncertain significance (1 of 4 stars; one submission).

Conditions:
Torsion dystonia 6 (DYT6). Also called: DYT-THAP1. Identifiers: Orphanet 98806, MedGen C1414216, MONDO:0011264, OMIM 602629.

Submission:

Labcorp Genetics (formerly Invitae), Labcorp
Classification: Uncertain significance for Torsion dystonia 6. Last evaluated: 2019-07-31. Review status: criteria provided, single submitter. Criteria: Invitae Variant Classification Sherloc (09022015). Collection method: clinical testing. Allele origin: germline.
Comment: In summary, the available evidence is currently insufficient to determine the role of this variant in disease. Therefore, it has been classified as a Variant of Uncertain Significance. Algorithms developed to predict the effect of missense changes on protein structure and function are either unavailable or do not agree on the potential impact of this missense change (SIFT: "Tolerated"; PolyPhen-2: "Probably Damaging"; Align-GVGD: "Class C15"). This variant has been observed in a family affected with dystonia (PMID: 27123488). This variant is not present in population databases (ExAC no frequency). This sequence change replaces serine with arginine at codon 51 of the THAP1 protein (p.Ser51Arg). The serine residue is highly conserved and there is a moderate physicochemical difference between serine and arginine.

Literature cited by the submitters: PubMed 27123488.

NM_018105.3(THAP1):c.153C>G (p.Ser51Arg)

Gene: THAP1 (THAP domain containing 1; minus strand). Cytogenetic location: 8p11.21.
Variant type: single nucleotide variant.
Coding change: c.153C>G on transcript NM_018105.3 (MANE Select); coding-DNA position 153, C replaced by G.
Protein change: p.Ser51Arg; replaces serine 51 with arginine.
Molecular consequence: missense variant. On other transcripts: intron variant (1).
Genome position (GRCh38, 1-based): chr8:42,839,300, G>C on the plus strand (C>G on the coding strand, the complement: THAP1 is on the minus strand). VCF-style: chr8-42839300-G-C. GRCh37 (hg19) VCF-style: chr8-42694443-G-C.
Other names: c.72-964C>G (NM_199003.2); short protein forms S51R.
Identifiers: ClinVar variation 953175 (VCV000953175.6), dbSNP rs1802673093, ClinGen allele CA371107989.